The following is an entry in ClinVar:

NM_001267550.2(TTN):c.102421C>T (p.Gln34141Ter)

Genes: TTN (titin; minus strand), TTN-AS1 (TTN antisense RNA 1; plus strand). Cytogenetic location: 2q31.2.
Variant type: single nucleotide variant.
Coding change: c.102421C>T on transcript NM_001267550.2 (MANE Select); coding-DNA position 102421, C replaced by T.
Protein change: p.Gln34141Ter; replaces glutamine 34141 with a stop codon.
Molecular consequence: nonsense.
Genome position (GRCh38, 1-based): chr2:178,534,194, G>A on the plus strand (C>T on the coding strand, the complement: TTN is on the minus strand). VCF-style: chr2-178534194-G-A. GRCh37 (hg19) VCF-style: chr2-179398921-G-A.
Other names: c.94717C>T, p.Gln31573Ter (NM_133378.4); c.75601C>T, p.Gln25201Ter (NM_133432.3); c.75802C>T, p.Gln25268Ter (NM_133437.4); c.97498C>T, p.Gln32500Ter (NM_001256850.1); c.75226C>T, p.Gln25076Ter (NM_003319.4); short protein forms Q25076*, Q25201*, Q25268*, Q31573*, Q32500*, Q34141*.
Identifiers: ClinVar variation 4852173 (VCV004852173.2).

ClinVar aggregate classification (germline): Pathogenic/Likely pathogenic. Review status: criteria provided, multiple submitters, no conflicts (2 of 4 stars). 2 submissions from 2 submitters: Pathogenic (1); Likely pathogenic (1). Last evaluated 2026-10-21.

Conditions:
Dilated cardiomyopathy 1G (CMD1G). Identifiers: Orphanet 154, MedGen C1858763, MONDO:0011400, OMIM 604145.

Submissions (2):

Clinical Genetics Laboratory, Skane University Hospital Lund
Classification: Pathogenic for Dilated cardiomyopathy 1G. Last evaluated: 2026-10-21. Review status: criteria provided, single submitter. Criteria: ACMG Guidelines, 2015. Collection method: clinical testing. Allele origin: germline. Affected: yes.
Comment: TTN (NM_001267550.2) c.102421C>T, p.(Gln34141*) represents a nucleotide substitution in exon 358 of 363, resulting in a premature stop codon and consequently a truncated protein or loss of protein expression from the affected allele. The variant is located within the M-band region of the protein and is expressed in all TTN isoforms (see CardioDB;, PSI 100%). TTN c.102421C>T has not been identified in the general population and has been reported as likely pathogenic in the ClinVar database (Accession: VCV004852173.1). The variant has been classified as pathogenic according to the following ACMG criteria: PVS1, PS4_Supporting, and PM2.

Variantyx, Inc.
Classification: Likely pathogenic for Dilated cardiomyopathy 1G. Last evaluated: 2025-11-17. Review status: criteria provided, single submitter. Criteria: Variantyx Assertion Criteria 2022. Collection method: clinical testing. Allele origin: germline. Inheritance: Autosomal dominant inheritance. Affected: yes.
Comment: This is a nonsense variant in the TTN gene (OMIM: 188840). Pathogenic variants in this gene have been associated with autosomal dominant dilated cardiomyopathy 1G. This variant is located in the A-band region of titin. The alteration introduces a premature termination codon in exon 358 out of 363 and is expected to result in loss of function, which is a known disease mechanism for TTN in this disorder (PMID: 27869827, 33226272) (PVS1). This variant is absent from control populations (PM2). Based on the current evidence, this variant is classified as likely pathogenic for autosomal dominant dilated cardiomyopathy 1G.

Literature cited by the submitters: PubMed 27869827 (cited by Variantyx, Inc.); PubMed 33226272 (cited by Variantyx, Inc.).